The following is an entry in ClinVar:

ClinVar aggregate classification (germline): Likely benign. Review status: criteria provided, multiple submitters, no conflicts (2 of 4 stars). 3 submissions from 3 submitters: Likely benign (2). 1 of the submissions does not count toward it. Last evaluated 2026-01-12.

Conditions:
IFIH1-related disorder. Also called: IFIH1-related condition.
Aicardi-Goutieres syndrome 7 (AGS7). Identifiers: Orphanet 51, MedGen C3888244, MONDO:0014367, OMIM 615846.
Singleton-Merten syndrome 1 (SGMRT1). Also called: Widened medullary cavities of bone, aortic calcification, abnormal dentition, and muscular weakness; Syndrome of widened medullary cavities of the metacarpals and phalanges, aortic calcification and abnormal dentition. Identifiers: Orphanet 85191, MedGen C4225427, MONDO:0024535, OMIM 182250.

Allele frequency attached by ClinVar (database versions not stated): ExAC 0.00007; gnomAD exomes 0.00008 and 0.00019; TOPMed 0.00012; gnomAD 0.00013 and 0.00014; ESP Exome Variant Server 0.00015.
gnomAD v4.1: 313 of 1,612,268 alleles (0.019%); highest among the groups gnomAD compares: Non-Finnish European, 0.024%; no homozygotes.

Submissions (3):

Labcorp Genetics (formerly Invitae), Labcorp
Classification: Likely benign for Aicardi-Goutieres syndrome 7; Singleton-Merten syndrome 1. Last evaluated: 2026-01-12. Review status: criteria provided, single submitter. Criteria: Invitae Variant Classification Sherloc (09022015). Collection method: clinical testing. Allele origin: germline.

Blueprint Genetics
Classification: Likely benign. Last evaluated: 2024-08-21. Review status: criteria provided, single submitter. Criteria: ACMG Guidelines, 2015. Collection method: clinical testing. Allele origin: germline.

PreventionGenetics, part of Exact Sciences
Classification: Likely benign for IFIH1-related condition. Last evaluated: 2024-07-17. Review status: no assertion criteria provided. Collection method: clinical testing. Allele origin: germline. Not counted in ClinVar's aggregate classification.
Comment: This variant is classified as likely benign based on ACMG/AMP sequence variant interpretation guidelines (Richards et al. 2015 PMID: 25741868, with internal and published modifications).

NM_022168.4(IFIH1):c.1407T>C (p.Asn469=)

Gene: IFIH1 (interferon induced with helicase C domain 1; minus strand). Cytogenetic location: 2q24.2.
Variant type: single nucleotide variant.
Coding change: c.1407T>C on transcript NM_022168.4 (MANE Select); coding-DNA position 1407, T replaced by C.
Protein change: p.Asn469=; no amino-acid change (asparagine 469 retained).
Molecular consequence: synonymous variant.
Genome position (GRCh38, 1-based): chr2:162,281,445, A>G on the plus strand (T>C on the coding strand, the complement: IFIH1 is on the minus strand). VCF-style: chr2-162281445-A-G. GRCh37 (hg19) VCF-style: chr2-163137955-A-G.
Identifiers: ClinVar variation 706235 (VCV000706235.13), dbSNP rs138740030, ClinGen allele CA1934533.
Genomic context (GRCh38, chr2:162,281,445, plus strand): 5'-AGCTGTTAGTCCCAGTATCTGAGGAAGGGGAATCACTGGTTTGTTTTCTTTCTTGAGTCT[A>G]TTGTTTTTCAACTTCTGCATCAAATAATGCCTCATGATGTTATTATACACTGCTTCTTTG-3'
Protein context (NP_071451.2, residues 459-479): RHYLMQKLKN[Asn469=]RLKKENKPVI